The following is an entry in ClinVar:

NM_000038.6(APC):c.3051T>C (p.Asn1017=)

Gene: APC (APC regulator of Wnt signaling pathway; plus strand). Cytogenetic location: 5q22.2.
Variant type: single nucleotide variant.
Coding change: c.3051T>C on transcript NM_000038.6 (MANE Select); coding-DNA position 3051, T replaced by C.
Protein change: p.Asn1017=; no amino-acid change (asparagine 1017 retained).
Molecular consequence: synonymous variant.
Genome position (GRCh38, 1-based): chr5:112,838,645, T>C. VCF-style: chr5-112838645-T-C. GRCh37 (hg19) VCF-style: chr5-112174342-T-C.
Other names: c.3051T>C, p.Asn1017= (NM_001127510.3, NM_001354895.2); c.2997T>C, p.Asn999= (NM_001127511.3); c.3105T>C, p.Asn1035= (NM_001354896.2); c.3081T>C, p.Asn1027= (NM_001354897.2); c.2976T>C, p.Asn992= (NM_001354898.2); c.2967T>C, p.Asn989= (NM_001354899.2); c.2928T>C, p.Asn976= (NM_001354900.2); c.2874T>C, p.Asn958= (NM_001354901.2); and 5 more.
Identifiers: ClinVar variation 627699 (VCV000627699.5), dbSNP rs1561581624, ClinGen allele CA445963145.

ClinVar aggregate classification (germline): Likely benign. Review status: criteria provided, multiple submitters, no conflicts (2 of 4 stars). 3 submissions from 3 submitters: Likely benign (3). Last evaluated 2025-12-29.

Conditions:
Hereditary cancer-predisposing syndrome. Also called: Tumor predisposition; Hereditary Cancer Syndrome; Neoplastic Syndromes, Hereditary; Hereditary neoplastic syndrome. Identifiers: Orphanet 140162, MedGen C0027672, MeSH D009386, MONDO:0015356.

Allele frequency attached by ClinVar (database versions not stated): gnomAD exomes below 0.00001.
gnomAD v4.1: 1 of 1,614,124 alleles (0.000062%); highest among the groups gnomAD compares: South Asian, 0.0011%; no homozygotes.

Submissions (3):

Center for Genomic Medicine, Rigshospitalet, Copenhagen University Hospital
Classification: Likely benign. Last evaluated: 2025-12-29. Review status: criteria provided, single submitter. Criteria: ACMG Guidelines, 2015. Collection method: clinical testing. Allele origin: germline.
Comment: Classification criteria: BP4, BP7

Ambry Genetics
Classification: Likely benign for Hereditary cancer-predisposing syndrome. Last evaluated: 2019-07-10. Review status: criteria provided, single submitter. Criteria: Ambry Variant Classification Scheme 2023. Collection method: clinical testing. Allele origin: germline.

Color Diagnostics, LLC DBA Color Health
Classification: Likely benign for Hereditary cancer-predisposing syndrome. Last evaluated: 2018-03-25. Review status: criteria provided, single submitter. Criteria: ACMG Guidelines, 2015. Collection method: clinical testing. Allele origin: germline.